The following is an entry in ClinVar:

NM_001005242.3(PKP2):c.2246C>A (p.Ala749Asp)

Gene: PKP2 (plakophilin 2; minus strand). Cytogenetic location: 12p11.21.
Variant type: single nucleotide variant.
Coding change: c.2246C>A on transcript NM_001005242.3 (MANE Select); coding-DNA position 2246, C replaced by A.
Protein change: p.Ala749Asp; replaces alanine 749 with aspartic acid.
Molecular consequence: missense variant.
Genome position (GRCh38, 1-based): chr12:32,796,220, G>T on the plus strand (C>A on the coding strand, the complement: PKP2 is on the minus strand). VCF-style: chr12-32796220-G-T. GRCh37 (hg19) VCF-style: chr12-32949154-G-T.
Other names: c.2378C>A, p.Ala793Asp (NM_004572.4); short protein forms A793D, A749D.
Identifiers: ClinVar variation 179559 (VCV000179559.19), dbSNP rs727504950, ClinGen allele CA011971.

ClinVar aggregate classification (germline): Uncertain significance. Review status: criteria provided, multiple submitters, no conflicts (2 of 4 stars). 5 submissions from 5 submitters: Uncertain significance (5). Last evaluated 2025-12-20.

Conditions:
Cardiovascular phenotype. Identifiers: MedGen CN230736.
Cardiomyopathy (CMYO). Also called: Cardiomyopathies. Identifiers: Orphanet 167848, MedGen C0878544, MONDO:0004994, HP:0001638. Inheritance: Various modes of inheritance.
Arrhythmogenic right ventricular cardiomyopathy (ARVD). Also called: Arrhythmogenic cardiomyopathy; Arrhythmogenic Right Ventricular Cardiomyopathy (ARVC); Cardiomyopathy, ARVC; Arrhythmogenic right ventricular dysplasia. Identifiers: Orphanet 247, MedGen C0349788, MeSH D019571, MONDO:0016587. Disease mechanism: loss of function. Inheritance: Various modes of inheritance.
Arrhythmogenic right ventricular dysplasia 9 (ARVD9). Also called: Arrhythmogenic Right Ventricular Dysplasia/Cardiomyopathy 9; ARRHYTHMOGENIC RIGHT VENTRICULAR DYSPLASIA, FAMILIAL, 9. Identifiers: MedGen C1836906, MONDO:0012180, OMIM 609040.

Allele frequency attached by ClinVar (database versions not stated): gnomAD exomes below 0.00001 and 0.00002; gnomAD 0.00001; TOPMed 0.00001.
gnomAD v4.1: 8 of 1,613,214 alleles (0.0005%); highest among the groups gnomAD compares: East Asian, 0.013%; no homozygotes.

Submissions (5):

Labcorp Genetics (formerly Invitae), Labcorp
Classification: Uncertain significance for Arrhythmogenic right ventricular dysplasia 9. Last evaluated: 2025-12-20. Review status: criteria provided, single submitter. Criteria: Invitae Variant Classification Sherloc (09022015). Collection method: clinical testing. Allele origin: germline.
Comment: This sequence change replaces alanine, which is neutral and non-polar, with aspartic acid, which is acidic and polar, at codon 793 of the PKP2 protein (p.Ala793Asp). This variant is present in population databases (rs727504950, gnomAD 0.03%). This missense change has been observed in individual(s) with arrhythmogenic right ventricular cardiomyopathy (PMID: 19427443). ClinVar contains an entry for this variant (Variation ID: 179559). An algorithm developed to predict the effect of missense changes on protein structure and function (PolyPhen-2) suggests that this variant is likely to be tolerated. In summary, the available evidence is currently insufficient to determine the role of this variant in disease. Therefore, it has been classified as a Variant of Uncertain Significance.

Color Diagnostics, LLC DBA Color Health
Classification: Uncertain significance for Cardiomyopathy. Last evaluated: 2025-09-15. Review status: criteria provided, single submitter. Criteria: ACMG Guidelines, 2015. Collection method: clinical testing. Allele origin: germline.
Comment: This missense variant replaces alanine with aspartic acid at codon 793 of the PKP2 protein. Computational prediction suggests that this variant may not impact protein structure and function. To our knowledge, functional studies have not been reported for this variant. This variant has been reported in an individual affected with arrhythmogenic right ventricular cardiomyopathy (PMID: 19427443) and in an individual affected with restrictive cardiomyopathy who also carried a pathogenic variant in the TNNI3 gene (PMID: 31064352). This variant has also been identified in 5/282722 chromosomes in the general population by the Genome Aggregation Database (gnomAD). The available evidence is insufficient to determine the role of this variant in disease conclusively. Therefore, this variant is classified as a Variant of Uncertain Significance.

Ambry Genetics
Classification: Uncertain significance for Cardiovascular phenotype. Last evaluated: 2025-05-08. Review status: criteria provided, single submitter. Criteria: Ambry Variant Classification Scheme 2023. Collection method: clinical testing. Allele origin: germline.
Comment: The p.A793D variant (also known as c.2378C>A), located in coding exon 12 of the PKP2 gene, results from a C to A substitution at nucleotide position 2378. The alanine at codon 793 is replaced by aspartic acid, an amino acid with dissimilar properties. This variant was reported in individual(s) with features consistent with arrhythmogenic right ventricular cardiomyopathy (ARVC) (Qiu X et al. Am J Cardiol, 2009 May;103:1439-44). This amino acid position is highly conserved in available vertebrate species. In addition, this alteration is predicted to be deleterious by in silico analysis. Based on the available evidence, the clinical significance of this variant remains unclear.

All of Us Research Program, National Institutes of Health
Classification: Uncertain significance for Arrhythmogenic right ventricular cardiomyopathy. Last evaluated: 2024-01-11. Review status: criteria provided, single submitter. Criteria: ACMG Guidelines, 2015. Collection method: clinical testing. Allele origin: germline. Inheritance: Autosomal dominant inheritance. Observed: 2 variant alleles, 2 heterozygotes.
Comment: This missense variant replaces alanine with aspartic acid at codon 793 of the PKP2 protein. Computational prediction suggests that this variant may not impact protein structure and function (internally defined REVEL score threshold <= 0.5, PMID: 27666373). To our knowledge, functional studies have not been reported for this variant. This variant has been reported in an individual affected with arrhythmogenic right ventricular cardiomyopathy (PMID: 19427443) and in an individual affected with restrictive cardiomyopathy who also carried a pathogenic variant in TNNI3 (PMID: 31064352). This variant has also been identified in 5/282722 chromosomes in the general population by the Genome Aggregation Database (gnomAD). The available evidence is insufficient to determine the role of this variant in disease conclusively. Therefore, this variant is classified as a Variant of Uncertain Significance.

This study involves interpretation of variants in research participants for the purpose of population health screening. Participant phenotype was not available at the time of variant classification. Additional details can be found in publication PMID: 35346344, PMCID: PMC8962531

Laboratory for Molecular Medicine, Mass General Brigham Personalized Medicine
Classification: Uncertain significance. Last evaluated: 2014-03-14. Review status: criteria provided, single submitter. Criteria: LMM Criteria. Collection method: clinical testing. Allele origin: germline. Observed: 1 variant allele.
Comment: This variant was not identified in large population studies. Comput ational prediction tools and conservation analysis do not provide strong support for or against an impact to the protein. In summary, additional information is needed to fully assess the clinical significance of the Ala793Asp variant.

Literature cited by the submitters: PubMed 19427443 (cited by 5 submitters); PubMed 31064352 (cited by Color Diagnostics, LLC DBA Color Health and All of Us Research Program, National Institutes of Health); PubMed 21636032 (cited by Laboratory for Molecular Medicine, Mass General Brigham Personalized Medicine).